The following is an entry in ClinVar:

NM_001349206.2(LPIN1):c.193-2A>G

Gene: LPIN1 (lipin 1; plus strand). Cytogenetic location: 2p25.1.
Variant type: single nucleotide variant.
Coding change: c.193-2A>G on transcript NM_001349206.2 (MANE Select); the canonical splice acceptor site of the intron before coding-DNA position 193, A replaced by G.
Molecular consequence: splice acceptor variant.
Genome position (GRCh38, 1-based): chr2:11,767,761, A>G. VCF-style: chr2-11767761-A-G. GRCh37 (hg19) VCF-style: chr2-11907887-A-G.
Other names: c.340-2A>G (NM_001261428.3, NM_001349208.2); c.283-2A>G (NM_001349207.2); c.211-2A>G (NM_001261427.3); c.193-2A>G (NM_001349204.2, NM_001349202.2, NM_001349200.2 and 5 more transcripts).
Identifiers: ClinVar variation 2751981 (VCV002751981.3), dbSNP rs2546083545, ClinGen allele CA345852043.

ClinVar aggregate classification (germline): Likely pathogenic (1 of 4 stars; one submission).

Submission:

Labcorp Genetics (formerly Invitae), Labcorp
Classification: Likely pathogenic. Last evaluated: 2025-01-06. Review status: criteria provided, single submitter. Criteria: Invitae Variant Classification Sherloc (09022015). Collection method: clinical testing. Allele origin: germline.
Comment: This sequence change affects an acceptor splice site in intron 2 of the LPIN1 gene. It is expected to disrupt RNA splicing. Variants that disrupt the donor or acceptor splice site typically lead to a loss of protein function (PMID: 16199547), and loss-of-function variants in LPIN1 are known to be pathogenic (PMID: 18817903, 20583302, 22481384, 26111941). This variant is not present in population databases (gnomAD no frequency). This variant has not been reported in the literature in individuals affected with LPIN1-related conditions. ClinVar contains an entry for this variant (Variation ID: 2751981). Algorithms developed to predict the effect of sequence changes on RNA splicing suggest that this variant may disrupt the consensus splice site. In summary, the currently available evidence indicates that the variant is pathogenic, but additional data are needed to prove that conclusively. Therefore, this variant has been classified as Likely Pathogenic.

Literature cited by the submitters: PubMed 16199547; PubMed 18817903; PubMed 20583302; PubMed 22481384; PubMed 26111941.